The following is an entry in ClinVar:

NM_182931.3(KMT2E):c.1603del (p.Leu535fs)

Gene: KMT2E (lysine methyltransferase 2E (inactive); plus strand). Cytogenetic location: 7q22.3.
Variant type: Deletion.
Coding change: c.1603del on transcript NM_182931.3 (MANE Select); coding-DNA position 1603, one base deleted (C; older notation c.1603delC).
Protein change: p.Leu535fs; shifts the reading frame from leucine 535.
Molecular consequence: frameshift variant.
Genome position (GRCh38, 1-based): chr7:105,090,253, C deleted. VCF-style (leftmost placement, unchanged base first): chr7-105090252-AC-A. GRCh37 (hg19) VCF-style: chr7-104730699-AC-A.
Other names: c.1603del, p.Leu535fs (NM_018682.4); short protein forms L535fs.
Identifiers: ClinVar variation 805902 (VCV000805902.2), dbSNP rs1584783327, ClinGen allele CA913184798.

ClinVar aggregate classification (germline): Uncertain significance (1 of 4 stars; one submission).

Submission:

Broad Center for Mendelian Genomics, Broad Institute of MIT and Harvard
Classification: Uncertain significance. Last evaluated: 2019-02-07. Review status: criteria provided, single submitter. Criteria: ACMG Guidelines, 2015. Collection method: research. Allele origin: unknown. Inheritance: Autosomal dominant inheritance. Affected: yes.
Comment: The p.Leu535Tyrfs*15 variant in KMT2E has not been previously reported in individuals with developmental delay or epilepsy and was absent from large population studies. This variant is predicted to cause a frameshift, which alters the proteinâ€™s amino acid sequence beginning at position 535 and leads to a premature termination codon 15 amino acids downstream. This alteration is then predicted to lead to a truncated or absent protein. This alteration is then predicted to lead to a truncated or absent protein. It is of note, that loss of function of the KMT2E gene in autosomal dominant disease has not yet been established based on the criteria laid out in Tayoun, 2018 (PMID: 30192042). In summary, while there is some suspicion for a pathogenic role, the clinical significance of this variant is uncertain.